The following is an entry in ClinVar:

NM_000038.6(APC):c.8079C>G (p.Asn2693Lys)

Gene: APC (APC regulator of Wnt signaling pathway; plus strand). Cytogenetic location: 5q22.2.
Variant type: single nucleotide variant.
Coding change: c.8079C>G on transcript NM_000038.6 (MANE Select); coding-DNA position 8079, C replaced by G.
Protein change: p.Asn2693Lys; replaces asparagine 2693 with lysine.
Molecular consequence: missense variant. On other transcripts: non-coding transcript variant (2).
Genome position (GRCh38, 1-based): chr5:112,843,673, C>G. VCF-style: chr5-112843673-C-G. GRCh37 (hg19) VCF-style: chr5-112179370-C-G.
Other names: c.7776C>G, p.Asn2592Lys (NM_001407460.1, NM_001354903.2, NM_001407458.1 and 1 more transcripts); c.7692C>G, p.Asn2564Lys (NM_001407467.1, NM_001407469.1); c.7230C>G, p.Asn2410Lys (NM_001407470.1, NM_001354906.2); c.6927C>G, p.Asn2309Lys (NM_001407471.1, NM_001407472.1); c.7902C>G, p.Asn2634Lys (NM_001354901.2, NM_001407453.1); c.7806C>G, p.Asn2602Lys (NM_001354902.2); c.7701C>G, p.Asn2567Lys (NM_001354904.2); c.7599C>G, p.Asn2533Lys (NM_001354905.2); and 11 more; short protein forms N2533K, N2567K, N2610K, N2693K, N2703K, N2410K, N2564K, N2665K.
Identifiers: ClinVar variation 5024952 (VCV005024952.1).

ClinVar aggregate classification (germline): Uncertain significance (1 of 4 stars; one submission).

Conditions:
Hereditary cancer-predisposing syndrome. Also called: Neoplastic Syndromes, Hereditary; Tumor predisposition; Hereditary neoplastic syndrome; Hereditary Cancer Syndrome. Identifiers: Orphanet 140162, MedGen C0027672, MeSH D009386, MONDO:0015356.

Submission:

Ambry Genetics
Classification: Uncertain significance for Hereditary cancer-predisposing syndrome. Last evaluated: 2026-07-06. Review status: criteria provided, single submitter. Criteria: Ambry Variant Classification Scheme 2023. Collection method: clinical testing. Allele origin: germline.
Comment: The p.N2693K variant (also known as c.8079C>G), located in coding exon 15 of the APC gene, results from a C to G substitution at nucleotide position 8079. The asparagine at codon 2693 is replaced by lysine, an amino acid with similar properties. This amino acid position is conserved. In addition, in silico predictors for this gene do not accurately predict pathogenicity. Based on the available evidence, the clinical significance of this variant remains unclear.